The following is an entry in ClinVar:

ClinVar aggregate classification (germline): Benign/Likely benign. Review status: criteria provided, multiple submitters, no conflicts (2 of 4 stars). 7 submissions from 7 submitters: Benign (5); Likely benign (2). Last evaluated 2026-02-03.

Conditions:
Familial hemophagocytic lymphohistiocytosis 5. Also called: STXBP2-Related Familial Hemophagocytic Lymphohistiocytosis (STXBP2-fHLH). Identifiers: Orphanet 540, MedGen C2751293, MONDO:0013135, OMIM 613101.
Autoinflammatory syndrome. Identifiers: Orphanet 93665, MedGen C3890737, MONDO:0019751.

Allele frequency attached by ClinVar (database versions not stated): gnomAD exomes 0.00087 and 0.00236; ExAC 0.00306; gnomAD 0.00904; TOPMed 0.00943; ESP Exome Variant Server 0.01200; 1000 Genomes Project 0.01218; 1000 Genomes Project 30x 0.01218.
gnomAD v4.1: 2,606 of 1,613,456 alleles (0.16%); highest among the groups gnomAD compares: African/African-American, 3.1%; 35 homozygotes.

Submissions (7):

Labcorp Genetics (formerly Invitae), Labcorp
Classification: Benign for Familial hemophagocytic lymphohistiocytosis 5. Last evaluated: 2026-02-03. Review status: criteria provided, single submitter. Criteria: Invitae Variant Classification Sherloc (09022015). Collection method: clinical testing. Allele origin: germline.

Blueprint Genetics
Classification: Likely benign. Last evaluated: 2024-11-18. Review status: criteria provided, single submitter. Criteria: ACMG Guidelines, 2015. Collection method: clinical testing. Allele origin: germline.

Mayo Clinic Laboratories, Mayo Clinic
Classification: Benign. Last evaluated: 2023-10-10. Review status: criteria provided, single submitter. Criteria: ACMG Guidelines, 2015. Collection method: clinical testing. Allele origin: germline. Observed: 10 variant alleles.
Comment: BS2, BP4, BP7

Genome Diagnostics Laboratory, The Hospital for Sick Children
Classification: Likely benign for Autoinflammatory syndrome. Last evaluated: 2019-01-01. Review status: criteria provided, single submitter. Criteria: ACMG Guidelines, 2015. Collection method: clinical testing. Allele origin: germline. Affected: yes.

Illumina Laboratory Services, Illumina
Classification: Benign for Familial hemophagocytic lymphohistiocytosis 5. Last evaluated: 2018-01-13. Review status: criteria provided, single submitter. Criteria: ICSL Variant Classification Criteria 13 December 2019. Collection method: clinical testing. Allele origin: germline.
Comment: This variant was observed in the ICSL laboratory as part of a predisposition screen in an ostensibly healthy population. It had not been previously curated by ICSL or reported in the Human Gene Mutation Database (HGMD: prior to June 1st, 2018), and was therefore a candidate for classification through an automated scoring system. Utilizing variant allele frequency, disease prevalence and penetrance estimates, and inheritance mode, an automated score was calculated to assess if this variant is too frequent to cause the disease. Based on the score and internal cut-off values, a variant classified as benign is not then subjected to further curation. The score for this variant resulted in a classification of benign for this disease.

Breakthrough Genomics
Classification: Benign. Review status: criteria provided, single submitter. Criteria: ACMG Guidelines, 2015. Collection method: not provided. Allele origin: germline. Inheritance: Autosomal recessive inheritance. Affected: yes.

PreventionGenetics, part of Exact Sciences
Classification: Benign. Review status: criteria provided, single submitter. Criteria: ACMG Guidelines, 2015. Collection method: clinical testing. Allele origin: germline.

NM_006949.4(STXBP2):c.1590G>A (p.Ala530=)

Gene: STXBP2 (syntaxin binding protein 2; plus strand). Cytogenetic location: 19p13.2.
Variant type: single nucleotide variant.
Coding change: c.1590G>A on transcript NM_006949.4 (MANE Select); coding-DNA position 1590, G replaced by A.
Protein change: p.Ala530=; no amino-acid change (alanine 530 retained).
Molecular consequence: synonymous variant. On other transcripts: non-coding transcript variant (1).
Genome position (GRCh38, 1-based): chr19:7,647,405, G>A. VCF-style: chr19-7647405-G-A. GRCh37 (hg19) VCF-style: chr19-7712291-G-A.
Other names: p.Ala530=; c.1581G>A, p.Ala527= (NM_001127396.3); c.1623G>A, p.Ala541= (NM_001272034.2).
Identifiers: ClinVar variation 260095 (VCV000260095.22), dbSNP rs61736589, ClinGen allele CA9144269.
Genomic context (GRCh38, chr19:7,647,405, plus strand): 5'-CCTGCACAGTGCCCGCTTCGGTCACTGGCACAAGAACAAGGCTGGCATAGAAGCCCGGGC[G>A]GGCCCCCGGCTCATCGTGTATGTCATGGGCGGTGTGGCCATGTCAGAGATGAGGGCCGCC-3'
Protein context (NP_008880.2, residues 520-540): HKNKAGIEAR[Ala530=]GPRLIVYVMG